The following is an entry in ClinVar:

ClinVar aggregate classification (germline): Uncertain significance (1 of 4 stars; one submission).

Conditions:
Polycystic kidney disease, adult type (PKD1). Also called: Polycystic Kidney Disease 1, Autosomal Dominant; Polycystic kidney disease 1; Polycystic kidney disease 1, severe; POLYCYSTIC KIDNEY DISEASE, ADULT, TYPE I; Polycystic Kidney, Autosomal Dominant; POLYCYSTIC KIDNEY DISEASE 1 WITH OR WITHOUT POLYCYSTIC LIVER DISEASE. Identifiers: MedGen C3149841, MONDO:0008263, OMIM 173900.

Submission:

MVZ Medizinische Genetik Mainz
Classification: Uncertain significance for Polycystic kidney disease, adult type. Last evaluated: 2024-06-25. Review status: criteria provided, single submitter. Criteria: UK Practice Guidelines For Variant Classification V4 01 2020. Collection method: clinical testing. Allele origin: germline. Inheritance: Autosomal dominant inheritance. Affected: yes. Observed: 1 variant allele.
Comment: ACMG Criteria: PM4,PM2_SUP,PP3,PP4

NM_001009944.3(PKD1):c.1322_1339del (p.Gly441_Met446del)

Gene: PKD1 (polycystin 1, transient receptor potential channel interacting; minus strand). Cytogenetic location: 16p13.3.
Variant type: Deletion.
Coding change: c.1322_1339del on transcript NM_001009944.3 (MANE Select); coding-DNA positions 1322 to 1339, 18 bases deleted (GGGCCGCCCTGGCAATGG).
Protein change: p.Gly441_Met446del.
Molecular consequence: inframe deletion.
Genome position (GRCh38, 1-based): chr16:2,117,535-2,117,552, CCATTGCCAGGGCGGCCC deleted on the plus strand (GGGCCGCCCTGGCAATGG on the coding strand, the reverse complement: PKD1 is on the minus strand); deleting any 18 consecutive bases within chr16:2,117,535-2,117,553 gives the same sequence; the c. name uses the placement nearest the transcript's 3' end. VCF-style (leftmost placement, unchanged base first): chr16-2117534-ACCATTGCCAGGGCGGCCC-A. GRCh37 (hg19) VCF-style: chr16-2167535-ACCATTGCCAGGGCGGCCC-A.
Other names: c.1322_1339del, p.Gly441_Met446del (NM_000296.4).
Identifiers: ClinVar variation 3256904 (VCV003256904.1).